The following is an entry in ClinVar:

ClinVar aggregate classification (germline): Uncertain significance (1 of 4 stars; one submission).

Conditions:
Myofibrillar myopathy 4. Also called: Zaspopathy (type). Identifiers: Orphanet 98912, MedGen C4721886, MONDO:0012277, OMIM 609452.

Allele frequency attached by ClinVar (database versions not stated): gnomAD exomes below 0.00001.
gnomAD v4.1: 2 of 1,613,924 alleles (0.00012%); highest among the groups gnomAD compares: Non-Finnish European, 0.000085%; no homozygotes.

Submission:

Labcorp Genetics (formerly Invitae), Labcorp
Classification: Uncertain significance for Myofibrillar myopathy 4. Last evaluated: 2023-10-14. Review status: criteria provided, single submitter. Criteria: Invitae Variant Classification Sherloc (09022015). Collection method: clinical testing. Allele origin: germline.
Comment: The LDB3 gene has multiple clinically relevant transcripts. This variant occurs in alternate transcript NM_007078.3, and corresponds to NM_001080116.1:c.*18590G>A in the primary transcript. This sequence change affects codon 559 of the LDB3 mRNA. It is a 'silent' change, meaning that it does not change the encoded amino acid sequence of the LDB3 protein. It affects a nucleotide within the consensus splice site. This variant is not present in population databases (gnomAD no frequency). This variant has not been reported in the literature in individuals affected with LDB3-related conditions. In summary, the available evidence is currently insufficient to determine the role of this variant in disease. Therefore, it has been classified as a Variant of Uncertain Significance.

NM_007078.3(LDB3):c.1677G>A (p.Arg559=)

Gene: LDB3 (LIM domain binding 3; plus strand). Cytogenetic location: 10q23.2.
Variant type: single nucleotide variant.
Coding change: c.1677G>A on transcript NM_007078.3 (MANE Select); coding-DNA position 1677, G replaced by A.
Protein change: p.Arg559=; no amino-acid change (arginine 559 retained).
Molecular consequence: synonymous variant.
Genome position (GRCh38, 1-based): chr10:86,717,964, G>A. VCF-style: chr10-86717964-G-A. GRCh37 (hg19) VCF-style: chr10-88477721-G-A.
Other names: c.1347G>A, p.Arg449= (NM_001080114.2); c.1692G>A, p.Arg564= (NM_001171610.2); c.1488G>A, p.Arg496= (NM_001368064.1, NM_001368065.1); c.1536G>A, p.Arg512= (NM_001368066.1).
Identifiers: ClinVar variation 965530 (VCV000965530.8), dbSNP rs1846936388, ClinGen allele CA470308561.